The following is an entry in ClinVar:

NM_000293.3(PHKB):c.710+14843C>G

Gene: PHKB (phosphorylase kinase regulatory subunit beta; plus strand). Cytogenetic location: 16q12.1.
Variant type: single nucleotide variant.
Coding change: c.710+14843C>G on transcript NM_000293.3 (MANE Select); 14843 bases into the intron after coding-DNA position 710, C replaced by G.
Molecular consequence: intron variant.
Genome position (GRCh38, 1-based): chr16:47,562,391, C>G. VCF-style: chr16-47562391-C-G. GRCh37 (hg19) VCF-style: chr16-47596302-C-G.
Other names: c.710+14843C>G (NM_001363837.1); c.689+14843C>G (NM_001031835.3).
Identifiers: ClinVar variation 2646492 (VCV002646492.24), dbSNP rs546767769, ClinGen allele CA280202881.

ClinVar aggregate classification (germline): Likely benign (1 of 4 stars; one submission).

Allele frequency attached by ClinVar (database versions not stated): 1000 Genomes Project 30x 0.00375; 1000 Genomes Project 0.00379.

Submission:

CeGaT Center for Human Genetics Tuebingen
Classification: Likely benign. Last evaluated: 2023-06-01. Review status: criteria provided, single submitter. Criteria: CeGaT Center For Human Genetics Tuebingen Variant Classification Criteria Version 2. Collection method: clinical testing. Allele origin: germline. Affected: yes. Observed: 2 variant alleles.
Comment: PHKB: BS1